The following is an entry in ClinVar:

NM_000238.4(KCNH2):c.352G>C (p.Glu118Gln)

Gene: KCNH2 (potassium voltage-gated channel subfamily H member 2; minus strand). Cytogenetic location: 7q36.1.
Variant type: single nucleotide variant.
Coding change: c.352G>C on transcript NM_000238.4 (MANE Select); coding-DNA position 352, G replaced by C.
Protein change: p.Glu118Gln; replaces glutamic acid 118 with glutamine.
Molecular consequence: missense variant.
Genome position (GRCh38, 1-based): chr7:150,959,692, C>G on the plus strand (G>C on the coding strand, the complement: KCNH2 is on the minus strand). VCF-style: chr7-150959692-C-G. GRCh37 (hg19) VCF-style: chr7-150656780-C-G.
Other names: c.64G>C, p.Glu22Gln (NM_001406753.1, NM_001406756.1); c.175G>C, p.Glu59Gln (NM_001406755.1); c.52G>C, p.Glu18Gln (NM_001406757.1); c.352G>C, p.Glu118Gln (NM_172056.3); short protein forms E118Q, E22Q, E59Q, E18Q.
Identifiers: ClinVar variation 1000649 (VCV001000649.9), dbSNP rs746600107, ClinGen allele CA369863840.

ClinVar aggregate classification (germline): Uncertain significance (1 of 4 stars; one submission).

Conditions:
Long QT syndrome (LQTS). Identifiers: MedGen C0023976, MeSH D008133, MONDO:0002442. Disease mechanism: loss of function. Inheritance: Various modes of inheritance.

Submission:

Labcorp Genetics (formerly Invitae), Labcorp
Classification: Uncertain significance for Long QT syndrome. Last evaluated: 2020-11-27. Review status: criteria provided, single submitter. Criteria: Invitae Variant Classification Sherloc (09022015). Collection method: clinical testing. Allele origin: germline.
Comment: This sequence change replaces glutamic acid with glutamine at codon 118 of the KCNH2 protein (p.Glu118Gln). The glutamic acid residue is moderately conserved and there is a small physicochemical difference between glutamic acid and glutamine. In summary, the available evidence is currently insufficient to determine the role of this variant in disease. Therefore, it has been classified as a Variant of Uncertain Significance. Algorithms developed to predict the effect of missense changes on protein structure and function (SIFT, PolyPhen-2, Align-GVGD) all suggest that this variant is likely to be tolerated, but these predictions have not been confirmed by published functional studies and their clinical significance is uncertain. This variant has not been reported in the literature in individuals with KCNH2-related conditions. This variant is not present in population databases (ExAC no frequency).